The following is an entry in ClinVar:

ClinVar aggregate classification (germline): Conflicting classifications of pathogenicity. Review status: criteria provided, conflicting classifications (1 of 4 stars). 9 submissions from 9 submitters: Uncertain significance (1); Benign (2); Likely benign (6). Last evaluated 2026-05-29.

Conditions:
TTN-related disorder. Also called: TTN-related disorders; TTN-related condition; TTN-related disease.
Cardiovascular phenotype. Identifiers: MedGen CN230736.
Dilated cardiomyopathy 1G (CMD1G). Identifiers: Orphanet 154, MedGen C1858763, MONDO:0011400, OMIM 604145.
Autosomal recessive limb-girdle muscular dystrophy type 2J (LGMDR10). Also called: Limb-girdle muscular dystrophy, type 2J; MUSCULAR DYSTROPHY, LIMB-GIRDLE, AUTOSOMAL RECESSIVE 10. Identifiers: Orphanet 140922, MedGen C1837342, MONDO:0012127, OMIM 608807.

Allele frequency attached by ClinVar (database versions not stated): gnomAD exomes 0.00011 and 0.00025; 1000 Genomes Project 0.00040; gnomAD 0.00045; ExAC 0.00013; 1000 Genomes Project 30x 0.00031; TOPMed 0.00039.
gnomAD v4.1: 240 of 1,613,560 alleles (0.015%); highest among the groups gnomAD compares: Admixed American, 0.2%; no homozygotes.

Submissions (9):

PreventionGenetics, part of Exact Sciences
Classification: Likely benign for TTN-related condition. Last evaluated: 2026-05-29. Review status: criteria provided, single submitter. Criteria: ACMG Guidelines, 2015. Collection method: clinical testing. Allele origin: germline.
Comment: This variant is classified as likely benign based on ACMG/AMP sequence variant interpretation guidelines (Richards et al. 2015 PMID: 25741868, with internal and published modifications).

Labcorp Genetics (formerly Invitae), Labcorp
Classification: Likely benign for Dilated cardiomyopathy 1G; Autosomal recessive limb-girdle muscular dystrophy type 2J. Last evaluated: 2026-01-19. Review status: criteria provided, single submitter. Criteria: Invitae Variant Classification Sherloc (09022015). Collection method: clinical testing. Allele origin: germline.

Molecular Diagnostic Laboratory for Inherited Cardiovascular Disease, Montreal Heart Institute
Classification: Likely benign. Last evaluated: 2025-04-09. Review status: criteria provided, single submitter. Criteria: ACMG Guidelines, 2015. Collection method: clinical testing. Allele origin: germline. Affected: no.

Blueprint Genetics
Classification: Likely benign. Last evaluated: 2024-11-25. Review status: criteria provided, single submitter. Criteria: ACMG Guidelines, 2015. Collection method: clinical testing. Allele origin: germline.

Athena Diagnostics
Classification: Benign. Last evaluated: 2024-03-05. Review status: criteria provided, single submitter. Criteria: Athena Diagnostics Criteria. Collection method: clinical testing. Allele origin: unknown.

Women's Health and Genetics/Laboratory Corporation of America, LabCorp
Classification: Likely benign. Last evaluated: 2022-02-05. Review status: criteria provided, single submitter. Criteria: LabCorp Variant Classification Summary - May 2015. Collection method: clinical testing. Allele origin: germline.

Ambry Genetics
Classification: Likely benign for Cardiovascular phenotype. Last evaluated: 2020-02-24. Review status: criteria provided, single submitter. Criteria: Ambry Variant Classification Scheme 2023. Collection method: clinical testing. Allele origin: germline.

CeGaT Center for Human Genetics Tuebingen
Classification: Uncertain significance. Last evaluated: 2019-04-01. Review status: criteria provided, single submitter. Criteria: CeGaT Center For Human Genetics Tuebingen Variant Classification Criteria Version 2. Collection method: clinical testing. Allele origin: germline. Affected: yes. Observed: 1 variant allele.

GeneDx
Classification: Benign. Last evaluated: 2014-03-07. Review status: criteria provided, single submitter. Criteria: GeneDx Variant Classification (06012015). Collection method: clinical testing. Allele origin: germline. Affected: yes.
Comment: This variant is considered likely benign or benign based on one or more of the following criteria: it is a conservative change, it occurs at a poorly conserved position in the protein, it is predicted to be benign by multiple in silico algorithms, and/or has population frequency not consistent with disease.

NM_001267550.2(TTN):c.80722A>C (p.Arg26908=)

Genes: TTN (titin; minus strand), TTN-AS1 (TTN antisense RNA 1; plus strand). Cytogenetic location: 2q31.2.
Variant type: single nucleotide variant.
Coding change: c.80722A>C on transcript NM_001267550.2 (MANE Select); coding-DNA position 80722, A replaced by C.
Protein change: p.Arg26908=; no amino-acid change (arginine 26908 retained).
Molecular consequence: synonymous variant.
Genome position (GRCh38, 1-based): chr2:178,565,410, T>G on the plus strand (A>C on the coding strand, the complement: TTN is on the minus strand). VCF-style: chr2-178565410-T-G. GRCh37 (hg19) VCF-style: chr2-179430137-T-G.
Other names: p.R25267R:AGA>CGA; c.75799A>C, p.Arg25267= (NM_001256850.1); c.53527A>C, p.Arg17843= (NM_003319.4); c.73018A>C, p.Arg24340= (NM_133378.4); c.53902A>C, p.Arg17968= (NM_133432.3); c.54103A>C, p.Arg18035= (NM_133437.4).
Identifiers: ClinVar variation 137808 (VCV000137808.57), dbSNP rs573877174, ClinGen allele CA291469.